The following is an entry in ClinVar:

ClinVar aggregate classification (germline): Uncertain significance (1 of 4 stars; one submission).

Conditions:
Menke-Hennekam syndrome 1 (MKHK1). Identifiers: MedGen C5193034, MONDO:0020763, OMIM 618332.

Submission:

Laboratorio de Genetica e Diagnostico Molecular, Hospital Israelita Albert Einstein
Classification: Uncertain significance for Menke-Hennekam syndrome 1. Last evaluated: 2022-05-16. Review status: criteria provided, single submitter. Criteria: ACMG Guidelines, 2015. Collection method: clinical testing. Allele origin: germline. Affected: yes.
Comment: ACMG classification criteria: PM2 moderated, PM4

NM_004380.3(CREBBP):c.5572_5592dup (p.Leu1864_Met1865insArgLeuGlnGlnAlaGlnLeu)

Gene: CREBBP (CREB binding protein; minus strand). Cytogenetic location: 16p13.3.
Variant type: Duplication.
Coding change: c.5572_5592dup on transcript NM_004380.3 (MANE Select); coding-DNA positions 5572 to 5592, 21 bases duplicated (CGCCTGCAGCAGGCCCAGCTC).
Protein change: p.Leu1864_Met1865insArgLeuGlnGlnAlaGlnLeu.
Molecular consequence: inframe insertion.
Genome position (GRCh38, 1-based): chr16:3,729,455-3,729,475, GAGCTGGGCCTGCTGCAGGCG duplicated on the plus strand (CGCCTGCAGCAGGCCCAGCTC on the coding strand, the reverse complement: CREBBP is on the minus strand); duplicating any 21 consecutive bases within chr16:3,729,455-3,729,476 gives the same sequence; the c. name uses the placement nearest the transcript's 3' end. VCF-style (leftmost placement, unchanged base first): chr16-3729454-T-TGAGCTGGGCCTGCTGCAGGCG. GRCh37 (hg19) VCF-style: chr16-3779455-T-TGAGCTGGGCCTGCTGCAGGCG.
Other names: c.5458_5478dup, p.Leu1826_Met1827insArgLeuGlnGlnAlaGlnLeu (NM_001079846.1).
Identifiers: ClinVar variation 2431901 (VCV002431901.2), dbSNP rs2548349770, ClinGen allele CA2580091119.